The following is an entry in ClinVar:

NM_032383.5(HPS3):c.1320C>G (p.His440Gln)

Gene: HPS3 (HPS3 biogenesis of lysosomal organelles complex 2 subunit 1; plus strand). Cytogenetic location: 3q24.
Variant type: single nucleotide variant.
Coding change: c.1320C>G on transcript NM_032383.5 (MANE Select); coding-DNA position 1320, C replaced by G.
Protein change: p.His440Gln; replaces histidine 440 with glutamine.
Molecular consequence: missense variant.
Genome position (GRCh38, 1-based): chr3:149,153,568, C>G. VCF-style: chr3-149153568-C-G. GRCh37 (hg19) VCF-style: chr3-148871355-C-G.
Other names: c.825C>G, p.His275Gln (NM_001308258.2); short protein forms H275Q, H440Q.
Identifiers: ClinVar variation 1896099 (VCV001896099.2), dbSNP rs1374285300, ClinGen allele CA354919174.

ClinVar aggregate classification (germline): Uncertain significance (1 of 4 stars; one submission).

Allele frequency attached by ClinVar (database versions not stated): gnomAD exomes below 0.00001; gnomAD 0.00001; TOPMed 0.00001.
gnomAD v4.1: 5 of 1,613,962 alleles (0.00031%); highest among the groups gnomAD compares: African/African-American, 0.0013%; no homozygotes.

Submission:

Labcorp Genetics (formerly Invitae), Labcorp
Classification: Uncertain significance. Last evaluated: 2022-05-01. Review status: criteria provided, single submitter. Criteria: Invitae Variant Classification Sherloc (09022015). Collection method: clinical testing. Allele origin: germline.
Comment: This sequence change replaces histidine, which is basic and polar, with glutamine, which is neutral and polar, at codon 440 of the HPS3 protein (p.His440Gln). This variant is not present in population databases (gnomAD no frequency). This variant has not been reported in the literature in individuals affected with HPS3-related conditions. Algorithms developed to predict the effect of missense changes on protein structure and function are either unavailable or do not agree on the potential impact of this missense change (SIFT: "Tolerated"; PolyPhen-2: "Probably Damaging"; Align-GVGD: "Class C0"). In summary, the available evidence is currently insufficient to determine the role of this variant in disease. Therefore, it has been classified as a Variant of Uncertain Significance.